The following is an entry in ClinVar:

ClinVar aggregate classification (germline): Pathogenic/Likely pathogenic. Review status: criteria provided, multiple submitters, no conflicts (2 of 4 stars). 5 submissions from 5 submitters: Pathogenic (3); Likely pathogenic (2). Last evaluated 2023-08-16.

Conditions:
Muscular dystrophy-dystroglycanopathy (congenital with brain and eye anomalies), type A2. Also called: WALKER-WARBURG SYNDROME OR MUSCLE-EYE-BRAIN DISEASE, POMT2-RELATED; MUSCULAR DYSTROPHY-DYSTROGLYCANOPATHY (CONGENITAL WITH BRAIN AND EYE ANOMALIES), TYPE A, 2. Identifiers: Orphanet 588, Orphanet 899, MedGen C3150411, MONDO:0013154, OMIM 613150.
Muscular dystrophy-dystroglycanopathy (congenital with impaired intellectual development), type B, 2. Also called: Muscular dystrophy-dystroglycanopathy (congenital with intellectual disability), type B2; MUSCULAR DYSTROPHY, CONGENITAL, POMT2-RELATED. Identifiers: MedGen C3150416, MONDO:0013160, OMIM 613156.
Autosomal recessive limb-girdle muscular dystrophy type 2N. Also called: MUSCULAR DYSTROPHY-DYSTROGLYCANOPATHY, LIMB-GIRDLE, POMT2-RELATED; Muscular dystrophy-dystroglycanopathy (limb-girdle), type C, 2. Identifiers: Orphanet 206559, MedGen C3150418, MONDO:0013162, OMIM 613158.

Submissions (5):

Baylor Genetics
Classification: Likely pathogenic for Muscular dystrophy-dystroglycanopathy (congenital with brain and eye anomalies), type A2. Last evaluated: 2023-08-16. Review status: criteria provided, single submitter. Criteria: ACMG Guidelines, 2015. Collection method: clinical testing. Allele origin: unknown.

Labcorp Genetics (formerly Invitae), Labcorp
Classification: Pathogenic for Muscular dystrophy-dystroglycanopathy (congenital with impaired intellectual development), type B, 2; Muscular dystrophy-dystroglycanopathy (congenital with brain and eye anomalies), type A2; Autosomal recessive limb-girdle muscular dystrophy type 2N. Last evaluated: 2023-07-29. Review status: criteria provided, single submitter. Criteria: Invitae Variant Classification Sherloc (09022015). Collection method: clinical testing. Allele origin: germline.
Comment: This sequence change creates a premature translational stop signal (p.Asn553Lysfs*10) in the POMT2 gene. It is expected to result in an absent or disrupted protein product. Loss-of-function variants in POMT2 are known to be pathogenic (PMID: 15894594). This variant is present in population databases (no rsID available, gnomAD 0.004%). This variant has not been reported in the literature in individuals affected with POMT2-related conditions. ClinVar contains an entry for this variant (Variation ID: 285471). For these reasons, this variant has been classified as Pathogenic.

CeGaT Center for Human Genetics Tuebingen
Classification: Likely pathogenic. Last evaluated: 2021-10-01. Review status: criteria provided, single submitter. Criteria: CeGaT Center For Human Genetics Tuebingen Variant Classification Criteria Version 2. Collection method: clinical testing. Allele origin: germline. Affected: yes. Observed: 1 variant allele.

Revvity Omics, Revvity
Classification: Pathogenic. Last evaluated: 2020-11-16. Review status: criteria provided, single submitter. Criteria: ACMG Guidelines, 2015. Collection method: clinical testing. Allele origin: germline.

Eurofins Ntd Llc (ga)
Classification: Pathogenic. Last evaluated: 2016-01-19. Review status: criteria provided, single submitter. Criteria: EGL Classification Definitions. Collection method: clinical testing. Allele origin: germline. Observed: 1 variant allele, 1 heterozygote.

Literature cited by the submitters: PubMed 15894594 (cited by Labcorp Genetics (formerly Invitae), Labcorp).

NM_013382.7(POMT2):c.1658dup (p.Asn553fs)

Gene: POMT2 (protein O-mannosyltransferase 2; minus strand). Cytogenetic location: 14q24.3.
Variant type: Duplication.
Coding change: c.1658dup on transcript NM_013382.7 (MANE Select); coding-DNA position 1658, one base duplicated (A; older notation c.1658dupA).
Protein change: p.Asn553fs; shifts the reading frame from asparagine 553.
Molecular consequence: frameshift variant.
Genome position (GRCh38, 1-based): chr14:77,280,459, T duplicated on the plus strand (A on the coding strand, the reverse complement: POMT2 is on the minus strand); the first of 2 consecutive T bases (chr14:77,280,459-77,280,460); duplicating either gives the same sequence. VCF-style (leftmost placement, unchanged base first): chr14-77280458-G-GT. GRCh37 (hg19) VCF-style: chr14-77746801-G-GT.
Other names: short protein forms N553fs.
Identifiers: ClinVar variation 285471 (VCV000285471.49), dbSNP rs886043110, ClinGen allele CA10605121.
Genomic context (GRCh38, chr14:77,280,458, plus strand): 5'-GTTGATAGGCCAGTGCCAGGGTTTGGACGTGAACTCATTGTCCTTGGGTTTGAGGCCACT[G>GT]TTCCCCTGCATGAAGGTAGCAAAGAAAGCTAGTCAAGACAGAGATCTAGAGGGCTGACAG-3'